The following is an entry in ClinVar:

NM_153704.6(TMEM67):c.2851G>T (p.Asp951Tyr)

Gene: TMEM67 (transmembrane protein 67; plus strand). Cytogenetic location: 8q22.1.
Variant type: single nucleotide variant.
Coding change: c.2851G>T on transcript NM_153704.6 (MANE Select); coding-DNA position 2851, G replaced by T.
Protein change: p.Asp951Tyr; replaces aspartic acid 951 with tyrosine.
Molecular consequence: missense variant. On other transcripts: non-coding transcript variant (1).
Genome position (GRCh38, 1-based): chr8:93,815,391, G>T. VCF-style: chr8-93815391-G-T. GRCh37 (hg19) VCF-style: chr8-94827619-G-T.
Other names: c.2608G>T, p.Asp870Tyr (NM_001142301.1); short protein forms D951Y, D870Y.
Identifiers: ClinVar variation 4980484 (VCV004980484.1).

ClinVar aggregate classification (germline): Uncertain significance (1 of 4 stars; one submission).

Conditions:
TMEM67-related disorder. Also called: TMEM67-related condition; TMEM67-related disorders. Identifiers: MedGen CN239423.

gnomAD v4.1: 13 of 1,612,984 alleles (0.00081%); highest among the groups gnomAD compares: Non-Finnish European, 0.0011%; no homozygotes.

Submission:

PreventionGenetics, part of Exact Sciences
Classification: Uncertain significance for TMEM67-related condition. Last evaluated: 2025-05-22. Review status: criteria provided, single submitter. Criteria: ACMG Guidelines, 2015. Collection method: clinical testing. Allele origin: germline.
Comment: The TMEM67 c.2851G>T variant is predicted to result in the amino acid substitution p.Asp951Tyr. To our knowledge, this variant has not been reported in the literature. This variant is reported in 0.00088% of alleles in individuals of European (Non-Finnish) descent in gnomAD. At this time, the clinical significance of this variant is uncertain due to the absence of conclusive functional and genetic evidence.